The following is an entry in ClinVar:

NM_001278064.2(GRM1):c.951-6T>A

Gene: GRM1 (glutamate metabotropic receptor 1; plus strand). Cytogenetic location: 6q24.3.
Variant type: single nucleotide variant.
Coding change: c.951-6T>A on transcript NM_001278064.2 (MANE Select); 6 bases into the intron before coding-DNA position 951, T replaced by A.
Molecular consequence: intron variant.
Genome position (GRCh38, 1-based): chr6:146,304,605, T>A. VCF-style: chr6-146304605-T-A. GRCh37 (hg19) VCF-style: chr6-146625741-T-A.
Other names: c.951-6T>A (NM_001278065.2, NM_001278066.1, NM_001278067.1).
Identifiers: ClinVar variation 560384 (VCV000560384.3), dbSNP rs758215901, ClinGen allele CA4037204.

ClinVar aggregate classification (germline): Uncertain significance. Review status: criteria provided, multiple submitters, no conflicts (2 of 4 stars). 3 submissions from 3 submitters: Uncertain significance (2). 1 of the submissions does not count toward it. Last evaluated 2024-05-20.

Conditions:
Spinocerebellar ataxia 44. Identifiers: Orphanet 631095, MedGen C4521563, MONDO:0033479, OMIM 617691.
Autosomal recessive spinocerebellar ataxia 13. Identifiers: Orphanet 324262, MedGen C3553816, MONDO:0013905, OMIM 614831.
Cerebellar ataxia. Identifiers: Orphanet 102002, MedGen C0007758, MONDO:0000437.

Allele frequency attached by ClinVar (database versions not stated): gnomAD exomes 0.00003 and 0.00001; TOPMed 0.00002; gnomAD 0.00001; ExAC 0.00002.
gnomAD v4.1: 38 of 1,596,044 alleles (0.0024%); highest among the groups gnomAD compares: Middle Eastern, 0.033%; no homozygotes.

Submissions (3):

Kariminejad - Najmabadi Pathology & Genetics Center
Classification: Uncertain significance for Spinocerebellar ataxia 44; Autosomal recessive spinocerebellar ataxia 13. Last evaluated: 2024-05-20. Review status: criteria provided, single submitter. Criteria: ACMG Guidelines, 2015. Collection method: clinical testing. Allele origin: germline. Inheritance: Autosomal recessive inheritance. Affected: yes.
Comment: PM2-PP3

Breakthrough Genomics
Classification: Uncertain significance. Review status: criteria provided, single submitter. Criteria: ACMG Guidelines, 2015. Collection method: not provided. Allele origin: germline. Inheritance: Autosomal recessive inheritance. Affected: yes.

Institute of Human Genetics, University of Wuerzburg
Classification: Uncertain significance for Ataxia. Review status: no assertion criteria provided. Collection method: clinical testing. Allele origin: unknown. Not counted in ClinVar's aggregate classification.